The following is an entry in ClinVar:

ClinVar aggregate classification (germline): Uncertain significance (1 of 4 stars; one submission).

Conditions:
Hereditary antithrombin deficiency (AT3D). Also called: Antithrombin III deficiency; Thrombophilia due to antithrombin III deficiency; Reduced antithrombin III activity; Antithrombin deficiency. Identifiers: Orphanet 82, MedGen C0272375, MONDO:0013144, OMIM 613118, HP:0001976.

Submission:

Juno Genomics, Hangzhou Juno Genomics, Inc
Classification: Uncertain significance for Hereditary antithrombin deficiency. Review status: criteria provided, single submitter. Criteria: ACMG Guidelines, 2015. Collection method: clinical testing. Allele origin: germline. Affected: yes.
Comment: Absent from controls (or at extremely low frequency if recessive) in Genome Aggregation Database, Exome Sequencing Project, 1000 Genomes Project, or Exome Aggregation Consortium.;Multiple lines of computational evidence support a deleterious effect on the gene or gene product (conservation, evolutionary, splicing impact, etc).;Patient's phenotype or family history is highly specific for a disease with a single genetic etiology.

NM_000488.4(SERPINC1):c.1384T>C (p.Cys462Arg)

Gene: SERPINC1 (serpin family C member 1; minus strand). Cytogenetic location: 1q25.1.
Variant type: single nucleotide variant.
Coding change: c.1384T>C on transcript NM_000488.4 (MANE Select); coding-DNA position 1384, T replaced by C.
Protein change: p.Cys462Arg; replaces cysteine 462 with arginine.
Molecular consequence: missense variant.
Genome position (GRCh38, 1-based): chr1:173,903,900, A>G on the plus strand (T>C on the coding strand, the complement: SERPINC1 is on the minus strand). VCF-style: chr1-173903900-A-G. GRCh37 (hg19) VCF-style: chr1-173873038-A-G.
Other names: c.1240T>C, p.Cys414Arg (NM_001365052.2); c.1507T>C, p.Cys503Arg (NM_001386302.1); c.1465T>C, p.Cys489Arg (NM_001386303.1); c.1363T>C, p.Cys455Arg (NM_001386304.1); c.1327T>C, p.Cys443Arg (NM_001386305.1); c.1168T>C, p.Cys390Arg (NM_001386306.1); short protein forms C390R, C414R, C443R, C455R, C462R, C489R, C503R.
Identifiers: ClinVar variation 3382746 (VCV003382746.2).